The following is an entry in ClinVar:

ClinVar aggregate classification (germline): Likely benign. Review status: criteria provided, multiple submitters, no conflicts (2 of 4 stars). 6 submissions from 6 submitters: Likely benign (6). Last evaluated 2025-08-20.

Conditions:
Familial sleep-related hypermotor epilepsy. Also called: Autosomal Dominant Sleep-Related Hypermotor (Hyperkinetic) Epilepsy. Identifiers: Orphanet 98784, MedGen C3696898, MONDO:0000030.
Inborn genetic diseases. Identifiers: MedGen C0950123, MeSH D030342.

Allele frequency attached by ClinVar (database versions not stated): gnomAD 0.00002; TOPMed 0.00003; gnomAD exomes 0.00007; ExAC 0.00013; ESP Exome Variant Server 0.00015.
gnomAD v4.1: 266 of 1,593,532 alleles (0.017%); highest among the groups gnomAD compares: Non-Finnish European, 0.022%; no homozygotes.

Submissions (6):

Labcorp Genetics (formerly Invitae), Labcorp
Classification: Likely benign. Last evaluated: 2025-08-20. Review status: criteria provided, single submitter. Criteria: Invitae Variant Classification Sherloc (09022015). Collection method: clinical testing. Allele origin: germline.

Women's Health and Genetics/Laboratory Corporation of America, LabCorp
Classification: Likely benign. Last evaluated: 2024-03-05. Review status: criteria provided, single submitter. Criteria: LabCorp Variant Classification Summary - May 2015. Collection method: clinical testing. Allele origin: germline.
Comment: Variant summary: CHRNA4 c.1531G>T (p.Ala511Ser) results in a conservative amino acid change located in the Neurotransmitter-gated ion-channel transmembrane domain (IPR006029) of the encoded protein sequence. Five of five in-silico tools predict a benign effect of the variant on protein function. The variant allele was found at a frequency of 0.00017 in 1593532 control chromosomes. To our knowledge, no occurrence of c.1531G>T in individuals affected with Epilepsy, Nocturnal Frontal Lobe, Type 1 and no experimental evidence demonstrating its impact on protein function have been reported. ClinVar contains an entry for this variant (Variation ID: 205017). Based on the evidence outlined above, the variant was classified as likely benign.

Blueprint Genetics
Classification: Likely benign. Last evaluated: 2023-10-25. Review status: criteria provided, single submitter. Criteria: ACMG Guidelines, 2015. Collection method: clinical testing. Allele origin: germline.

CeGaT Center for Human Genetics Tuebingen
Classification: Likely benign. Last evaluated: 2023-06-01. Review status: criteria provided, single submitter. Criteria: CeGaT Center For Human Genetics Tuebingen Variant Classification Criteria Version 2. Collection method: clinical testing. Allele origin: germline. Affected: yes. Observed: 1 variant allele.
Comment: CHRNA4: BP4

Ambry Genetics
Classification: Likely benign for Inborn genetic diseases. Last evaluated: 2023-03-20. Review status: criteria provided, single submitter. Criteria: Ambry Variant Classification Scheme 2023. Collection method: clinical testing. Allele origin: germline.

GeneDx
Classification: Likely benign. Last evaluated: 2018-03-13. Review status: criteria provided, single submitter. Criteria: GeneDx Variant Classification (06012015). Collection method: clinical testing. Allele origin: germline. Affected: yes.
Comment: This variant is considered likely benign or benign based on one or more of the following criteria: it is a conservative change, it occurs at a poorly conserved position in the protein, it is predicted to be benign by multiple in silico algorithms, and/or has population frequency not consistent with disease.

NM_000744.7(CHRNA4):c.1531G>T (p.Ala511Ser)

Gene: CHRNA4 (cholinergic receptor nicotinic alpha 4 subunit; minus strand). Cytogenetic location: 20q13.33.
Variant type: single nucleotide variant.
Coding change: c.1531G>T on transcript NM_000744.7 (MANE Select); coding-DNA position 1531, G replaced by T.
Protein change: p.Ala511Ser; replaces alanine 511 with serine.
Molecular consequence: missense variant. On other transcripts: non-coding transcript variant (1).
Genome position (GRCh38, 1-based): chr20:63,349,880, C>A on the plus strand (G>T on the coding strand, the complement: CHRNA4 is on the minus strand). VCF-style: chr20-63349880-C-A. GRCh37 (hg19) VCF-style: chr20-61981232-C-A.
Other names: p.A511S:GCC>TCC; c.1003G>T, p.Ala335Ser (NM_001256573.2); short protein forms A511S, A335S.
Identifiers: ClinVar variation 205017 (VCV000205017.40), dbSNP rs200795334, ClinGen allele CA313551.
Genomic context (GRCh38, chr20:63,349,880, plus strand): 5'-ATTTGCACGGAGAGGGCTGGTCTGGGGGTGGGAGCTCAGCCGAGTGGGTGTTGCGAGAGG[C>A]CAGGGCGCCGGCAGCCTGGCCATCTGCCTCGGGGGCGGCATCGTCTCGGGGAACACAGTA-3'
Protein context (NP_000735.1, residues 501-521): EADGQAAGAL[Ala511Ser]SRNTHSAELP